The following is an entry in ClinVar:

NM_003105.6(SORL1):c.6269G>T (p.Gly2090Val)

Gene: SORL1 (sortilin related receptor 1; plus strand). Cytogenetic location: 11q24.1.
Variant type: single nucleotide variant.
Coding change: c.6269G>T on transcript NM_003105.6 (MANE Select); coding-DNA position 6269, G replaced by T.
Protein change: p.Gly2090Val; replaces glycine 2090 with valine.
Molecular consequence: missense variant.
Genome position (GRCh38, 1-based): chr11:121,625,182, G>T. VCF-style: chr11-121625182-G-T. GRCh37 (hg19) VCF-style: chr11-121495891-G-T.
Other names: short protein forms G2090V.
Identifiers: ClinVar variation 1407112 (VCV001407112.6), dbSNP rs757932934, ClinGen allele CA6330222.

ClinVar aggregate classification (germline): Uncertain significance (1 of 4 stars; one submission).

Allele frequency attached by ClinVar (database versions not stated): TOPMed 0.00002; gnomAD 0.00003.
gnomAD v4.1: 40 of 1,613,854 alleles (0.0025%); highest among the groups gnomAD compares: Non-Finnish European, 0.0032%; no homozygotes.

Submission:

Labcorp Genetics (formerly Invitae), Labcorp
Classification: Uncertain significance. Last evaluated: 2021-11-13. Review status: criteria provided, single submitter. Criteria: Invitae Variant Classification Sherloc (09022015). Collection method: clinical testing. Allele origin: germline.
Comment: In summary, the available evidence is currently insufficient to determine the role of this variant in disease. Therefore, it has been classified as a Variant of Uncertain Significance. Algorithms developed to predict the effect of missense changes on protein structure and function are either unavailable or do not agree on the potential impact of this missense change (SIFT: "Deleterious"; PolyPhen-2: "Probably Damaging"; Align-GVGD: "Class C0"). This missense change has been observed in individual(s) with Alzheimer disease (PMID: 27026413). This variant is present in population databases (rs757932934, gnomAD 0.002%). This sequence change replaces glycine, which is neutral and non-polar, with valine, which is neutral and non-polar, at codon 2090 of the SORL1 protein (p.Gly2090Val).

Literature cited by the submitters: PubMed 27026413.